The following is an entry in ClinVar:

ClinVar aggregate classification (germline): Uncertain significance (1 of 4 stars; one submission).

Conditions:
Pontocerebellar hypoplasia type 1A (PCH1A). Also called: PONTOCEREBELLAR HYPOPLASIA WITH ANTERIOR HORN CELL DISEASE; PONTOCEREBELLAR HYPOPLASIA WITH INFANTILE SPINAL MUSCULAR ATROPHY. Identifiers: Orphanet 2254, Orphanet 88616, MedGen C1843504, MONDO:0011866, OMIM 607596.

Submission:

Labcorp Genetics (formerly Invitae), Labcorp
Classification: Uncertain significance for Pontocerebellar hypoplasia type 1A. Last evaluated: 2022-10-18. Review status: criteria provided, single submitter. Criteria: Invitae Variant Classification Sherloc (09022015). Collection method: clinical testing. Allele origin: germline.
Comment: This variant has not been reported in the literature in individuals affected with VRK1-related conditions. In summary, the available evidence is currently insufficient to determine the role of this variant in disease. Therefore, it has been classified as a Variant of Uncertain Significance. Algorithms developed to predict the effect of missense changes on protein structure and function are either unavailable or do not agree on the potential impact of this missense change (SIFT: "Not Available"; PolyPhen-2: "Benign"; Align-GVGD: "Not Available"). ClinVar contains an entry for this variant (Variation ID: 573229). Information on the frequency of this variant in the gnomAD database is not available, as this variant may be reported differently in the database. This sequence change replaces serine, which is neutral and polar, with proline, which is neutral and non-polar, at codon 342 of the VRK1 protein (p.Ser342Pro).

NM_003384.3(VRK1):c.1024_1025delinsCC (p.Ser342Pro)

Gene: VRK1 (VRK serine/threonine kinase 1; plus strand). Cytogenetic location: 14q32.2.
Variant type: Indel.
Coding change: c.1024_1025delinsCC on transcript NM_003384.3 (MANE Select); coding-DNA positions 1024 to 1025, AG replaced by CC.
Protein change: p.Ser342Pro; replaces serine 342 with proline.
Molecular consequence: missense variant.
Genome position (GRCh38, 1-based): chr14:96,860,691-96,860,692, AG replaced by CC. VCF-style: chr14-96860691-AG-CC. GRCh37 (hg19) VCF-style: chr14-97327028-AG-CC.
Other names: short protein forms S342P.
Identifiers: ClinVar variation 573229 (VCV000573229.8), dbSNP rs1566713262, ClinGen allele CA891844499.